The following is an entry in ClinVar:

NM_000257.4(MYH7):c.2836G>C (p.Glu946Gln)

Gene: MYH7 (myosin heavy chain 7; minus strand). Cytogenetic location: 14q11.2.
Variant type: single nucleotide variant.
Coding change: c.2836G>C on transcript NM_000257.4 (MANE Select); coding-DNA position 2836, G replaced by C.
Protein change: p.Glu946Gln; replaces glutamic acid 946 with glutamine.
Molecular consequence: missense variant.
Genome position (GRCh38, 1-based): chr14:23,423,993, C>G on the plus strand (G>C on the coding strand, the complement: MYH7 is on the minus strand). VCF-style: chr14-23423993-C-G. GRCh37 (hg19) VCF-style: chr14-23893202-C-G.
Other names: c.2836G>C, p.Glu946Gln (NM_001407004.1); short protein forms E946Q.
Identifiers: ClinVar variation 4860585 (VCV004860585.1).

ClinVar aggregate classification (germline): Uncertain significance (1 of 4 stars; one submission).

Conditions:
Cardiovascular phenotype. Identifiers: MedGen CN230736.

Submission:

Ambry Genetics
Classification: Uncertain significance for Cardiovascular phenotype. Last evaluated: 2026-04-09. Review status: criteria provided, single submitter. Criteria: Ambry Variant Classification Scheme 2023. Collection method: clinical testing. Allele origin: germline.
Comment: The p.E946Q variant (also known as c.2836G>C), located in coding exon 21 of the MYH7 gene, results from a G to C substitution at nucleotide position 2836. The glutamic acid at codon 946 is replaced by glutamine, an amino acid with highly similar properties. This amino acid position is conserved. In addition, the in silico prediction for this alteration is inconclusive. Based on the available evidence, the clinical significance of this variant remains unclear.